The following is an entry in ClinVar:

ClinVar aggregate classification (germline): Likely pathogenic (1 of 4 stars; one submission).

Conditions:
Hereditary cancer-predisposing syndrome. Also called: Hereditary neoplastic syndrome; Neoplastic Syndromes, Hereditary; Tumor predisposition; Hereditary Cancer Syndrome. Identifiers: Orphanet 140162, MedGen C0027672, MeSH D009386, MONDO:0015356.

Submission:

Ambry Genetics
Classification: Likely pathogenic for Hereditary cancer-predisposing syndrome. Last evaluated: 2025-08-01. Review status: criteria provided, single submitter. Criteria: Ambry Variant Classification Scheme 2023. Collection method: clinical testing. Allele origin: germline.
Comment: The p.Y1166* variant (also known as c.3498T>G), located in coding exon 15 of the APC gene, results from a T to G substitution at nucleotide position 3498. This changes the amino acid from a tyrosine to a stop codon within coding exon 15. This alteration occurs at the 3' terminus of theAPC gene, is not expected to trigger nonsense-mediated mRNA decay, and impacts the last 59% of the protein. However, premature stop codons are typically deleterious in nature and the impacted region is critical for protein function (Ambry internal data). This variant was reported in individual(s) with features consistent with familial adenomatous polyposis (De la Fuente MK et al. Dis Colon Rectum, 2007 Dec;50:2142-8). This variant is considered to be rare based on population cohorts in the Genome Aggregation Database (gnomAD). Based on the majority of available evidence to date, this variant is likely to be pathogenic.

Literature cited by the submitters: PubMed 17963004.

NM_000038.6(APC):c.3498T>G (p.Tyr1166Ter)

Gene: APC (APC regulator of Wnt signaling pathway; plus strand). Cytogenetic location: 5q22.2.
Variant type: single nucleotide variant.
Coding change: c.3498T>G on transcript NM_000038.6 (MANE Select); coding-DNA position 3498, T replaced by G.
Protein change: p.Tyr1166Ter; replaces tyrosine 1166 with a stop codon.
Molecular consequence: nonsense. On other transcripts: non-coding transcript variant (2).
Genome position (GRCh38, 1-based): chr5:112,839,092, T>G. VCF-style: chr5-112839092-T-G. GRCh37 (hg19) VCF-style: chr5-112174789-T-G.
Other names: c.3195T>G, p.Tyr1065Ter (NM_001407460.1, NM_001354903.2, NM_001407458.1 and 1 more transcripts); c.3111T>G, p.Tyr1037Ter (NM_001407467.1, NM_001407469.1); c.2649T>G, p.Tyr883Ter (NM_001407470.1, NM_001354906.2); c.2346T>G, p.Tyr782Ter (NM_001407471.1, NM_001407472.1); c.3498T>G, p.Tyr1166Ter (NM_001127510.3, NM_001354895.2, NM_001407450.1); c.3444T>G, p.Tyr1148Ter (NM_001127511.3); c.3552T>G, p.Tyr1184Ter (NM_001354896.2, NM_001407447.1, NM_001407448.1 and 1 more transcripts); c.3528T>G, p.Tyr1176Ter (NM_001354897.2); and 11 more; short protein forms Y1040*, Y1075*, Y1159*, Y1194*, Y1006*, Y1083*, Y1176*, Y782*.
Identifiers: ClinVar variation 4119241 (VCV004119241.1).